The following is an entry in ClinVar:

NM_025137.4(SPG11):c.2621A>C (p.Glu874Ala)

Gene: SPG11 (SPG11 vesicle trafficking associated, spatacsin; minus strand). Cytogenetic location: 15q21.1.
Variant type: single nucleotide variant.
Coding change: c.2621A>C on transcript NM_025137.4 (MANE Select); coding-DNA position 2621, A replaced by C.
Protein change: p.Glu874Ala; replaces glutamic acid 874 with alanine.
Molecular consequence: missense variant.
Genome position (GRCh38, 1-based): chr15:44,620,403, T>G on the plus strand (A>C on the coding strand, the complement: SPG11 is on the minus strand). VCF-style: chr15-44620403-T-G. GRCh37 (hg19) VCF-style: chr15-44912601-T-G.
Other names: c.2621A>C, p.Glu874Ala (NM_001160227.2); short protein forms E874A.
Identifiers: ClinVar variation 942776 (VCV000942776.7), dbSNP rs2083709845, ClinGen allele CA392230996.

ClinVar aggregate classification (germline): Uncertain significance (1 of 4 stars; one submission).

Conditions:
Hereditary spastic paraplegia 11. Also called: Spastic Paraplegia 11; Nakamura Osame syndrome; Autosomal recessive hereditary spastic paraplegia, mental impairment, and thin corpus callosum; Spastic paraplegia, mental retardation and thin corpus callosum; SPASTIC PARAPLEGIA, AUTOSOMAL RECESSIVE, COMPLICATED, WITH THIN CORPUS CALLOSUM; SPASTIC PARAPLEGIA, AUTOSOMAL RECESSIVE, WITH MENTAL IMPAIRMENT AND THIN CORPUS CALLOSUM. Identifiers: Orphanet 2822, MedGen C1858479, MONDO:0011445, OMIM 604360.

Allele frequency attached by ClinVar (database versions not stated): gnomAD exomes below 0.00001.
gnomAD v4.1: 1 of 1,607,184 alleles (0.000062%); highest among the groups gnomAD compares: Non-Finnish European, 0.000085%; no homozygotes.

Submission:

Labcorp Genetics (formerly Invitae), Labcorp
Classification: Uncertain significance for Hereditary spastic paraplegia 11. Last evaluated: 2021-09-01. Review status: criteria provided, single submitter. Criteria: Invitae Variant Classification Sherloc (09022015). Collection method: clinical testing. Allele origin: germline.
Comment: This sequence change replaces glutamic acid with alanine at codon 874 of the SPG11 protein (p.Glu874Ala). The glutamic acid residue is moderately conserved and there is a moderate physicochemical difference between glutamic acid and alanine. This variant is not present in population databases (ExAC no frequency). This variant has not been reported in the literature in individuals affected with SPG11-related conditions. Algorithms developed to predict the effect of missense changes on protein structure and function output the following: SIFT: "Tolerated"; PolyPhen-2: "Possibly Damaging"; Align-GVGD: "Class C0". The alanine amino acid residue is found in multiple mammalian species, which suggests that this missense change does not adversely affect protein function. In summary, the available evidence is currently insufficient to determine the role of this variant in disease. Therefore, it has been classified as a Variant of Uncertain Significance.